The following is an entry in ClinVar:

NM_017780.4(CHD7):c.8047C>T (p.Pro2683Ser)

Gene: CHD7 (chromodomain helicase DNA binding protein 7; plus strand). Cytogenetic location: 8q12.2.
Variant type: single nucleotide variant.
Coding change: c.8047C>T on transcript NM_017780.4 (MANE Select); coding-DNA position 8047, C replaced by T.
Protein change: p.Pro2683Ser; replaces proline 2683 with serine.
Molecular consequence: missense variant.
Genome position (GRCh38, 1-based): chr8:60,862,623, C>T. VCF-style: chr8-60862623-C-T. GRCh37 (hg19) VCF-style: chr8-61775182-C-T.
Other names: c.1900C>T, p.Pro634Ser (NM_001316690.1); short protein forms P2683S, P634S.
Identifiers: ClinVar variation 197013 (VCV000197013.36), dbSNP rs201319489, ClinGen allele CA206816.

ClinVar aggregate classification (germline): Benign/Likely benign. Review status: criteria provided, multiple submitters, no conflicts (2 of 4 stars). 9 submissions from 9 submitters: Benign (5); Likely benign (4). Last evaluated 2026-09-01.

Conditions:
Inborn genetic diseases. Identifiers: MedGen C0950123, MeSH D030342.
Hypogonadotropic hypogonadism 5 with or without anosmia (KAL5). Also called: HYPOGONADOTROPIC HYPOGONADISM 5 WITH ANOSMIA; HYPOGONADOTROPHIC HYPOGONADISM 5 WITHOUT ANOSMIA; CHD7-Related GnRH Deficiency (Kallmann Syndrome 5). Identifiers: Orphanet 478, MedGen C3552553, MONDO:0012880, OMIM 612370. Disease mechanism: loss of function.
CHARGE syndrome (CHARGE). Also called: Coloboma, heart anomaly, choanal atresia, retardation, genital and ear anomalies; CHARGE association; Hall-Hittner syndrome; CHARGE ASSOCIATION--COLOBOMA, HEART ANOMALY, CHOANAL ATRESIA, RETARDATION, GENITAL AND EAR ANOMALIES; Hittner Hirsch Kreh syndrome. Identifiers: Orphanet 138, MedGen C0265354, MONDO:0008965.

Allele frequency attached by ClinVar (database versions not stated): TOPMed 0.00090; ExAC 0.00117; gnomAD exomes 0.00125; gnomAD 0.00034 and 0.00035; 1000 Genomes Project 0.00040; 1000 Genomes Project 30x 0.00047.
gnomAD v4.1: 324 of 1,569,080 alleles (0.021%); highest among the groups gnomAD compares: Admixed American, 0.58%; 2 homozygotes.

Submissions (9):

CeGaT Center for Human Genetics Tuebingen
Classification: Likely benign. Last evaluated: 2026-09-01. Review status: criteria provided, single submitter. Criteria: CeGaT Center For Human Genetics Tuebingen Variant Classification Criteria Version 2. Collection method: clinical testing. Allele origin: germline. Affected: yes. Observed: 7 variant alleles.
Comment: CHD7: PP2, BS1

Labcorp Genetics (formerly Invitae), Labcorp
Classification: Benign for CHARGE syndrome. Last evaluated: 2026-02-01. Review status: criteria provided, single submitter. Criteria: Invitae Variant Classification Sherloc (09022015). Collection method: clinical testing. Allele origin: germline.

Blueprint Genetics
Classification: Likely benign. Last evaluated: 2023-03-29. Review status: criteria provided, single submitter. Criteria: ACMG Guidelines, 2015. Collection method: clinical testing. Allele origin: germline.

GeneDx
Classification: Benign. Last evaluated: 2020-11-24. Review status: criteria provided, single submitter. Criteria: GeneDx Variant Classification Process June 2021. Collection method: clinical testing. Allele origin: germline. Affected: yes.

Illumina Laboratory Services, Illumina
Classification: Benign for Kallmann Syndrome 5. Last evaluated: 2018-01-13. Review status: criteria provided, single submitter. Criteria: ICSL Variant Classification Criteria 13 December 2019. Collection method: clinical testing. Allele origin: germline.
Comment: This variant was observed in the ICSL laboratory as part of a predisposition screen in an ostensibly healthy population. It had not been previously curated by ICSL or reported in the Human Gene Mutation Database (HGMD: prior to June 1st, 2018), and was therefore a candidate for classification through an automated scoring system. Utilizing variant allele frequency, disease prevalence and penetrance estimates, and inheritance mode, an automated score was calculated to assess if this variant is too frequent to cause the disease. Based on the score and internal cut-off values, a variant classified as benign is not then subjected to further curation. The score for this variant resulted in a classification of benign for this disease.

Genetic Services Laboratory, University of Chicago
Classification: Likely benign. Last evaluated: 2017-05-11. Review status: criteria provided, single submitter. Criteria: ACMG Guidelines, 2015. Collection method: clinical testing. Allele origin: germline. Affected: no.

Eurofins Ntd Llc (ga)
Classification: Likely benign. Last evaluated: 2017-02-09. Review status: criteria provided, single submitter. Criteria: EGL Classification Definitions 2015. Collection method: clinical testing. Allele origin: germline. Observed: 1 variant allele, 1 heterozygote.

Ambry Genetics
Classification: Benign for Inborn genetic diseases. Last evaluated: 2016-11-03. Review status: criteria provided, single submitter. Criteria: Ambry Variant Classification Scheme 2023. Collection method: clinical testing. Allele origin: germline.

PreventionGenetics, part of Exact Sciences
Classification: Benign. Review status: criteria provided, single submitter. Criteria: ACMG Guidelines, 2015. Collection method: clinical testing. Allele origin: germline.

Literature cited by the submitters: PubMed 21158681 (cited by Eurofins Ntd Llc (ga)).